The following is an entry in ClinVar:

ClinVar aggregate classification (germline): Uncertain significance. Review status: criteria provided, multiple submitters, no conflicts (2 of 4 stars). 3 submissions from 3 submitters: Uncertain significance (3). Last evaluated 2025-09-30.

Conditions:
Inborn genetic diseases. Identifiers: MedGen C0950123, MeSH D030342.

Allele frequency attached by ClinVar (database versions not stated): TOPMed 0.00005; ESP Exome Variant Server 0.00008.
gnomAD v4.1: 90 of 1,612,520 alleles (0.0056%); highest among the groups gnomAD compares: Non-Finnish European, 0.0074%; no homozygotes.

Submissions (3):

Labcorp Genetics (formerly Invitae), Labcorp
Classification: Uncertain significance. Last evaluated: 2025-09-30. Review status: criteria provided, single submitter. Criteria: Invitae Variant Classification Sherloc (09022015). Collection method: clinical testing. Allele origin: germline.
Comment: This sequence change replaces histidine, which is basic and polar, with glutamine, which is neutral and polar, at codon 461 of the DCHS1 protein (p.His461Gln). This variant is present in population databases (rs150938956, gnomAD 0.006%). This variant has not been reported in the literature in individuals affected with DCHS1-related conditions. ClinVar contains an entry for this variant (Variation ID: 2138091). Invitae Evidence Modeling of protein sequence and biophysical properties (such as structural, functional, and spatial information, amino acid conservation, physicochemical variation, residue mobility, and thermodynamic stability) indicates that this missense variant is expected to disrupt DCHS1 protein function with a positive predictive value of 80%. In summary, the available evidence is currently insufficient to determine the role of this variant in disease. Therefore, it has been classified as a Variant of Uncertain Significance.

Ambry Genetics
Classification: Uncertain significance for Inborn genetic diseases. Last evaluated: 2024-12-17. Review status: criteria provided, single submitter. Criteria: Ambry Variant Classification Scheme 2023. Collection method: clinical testing. Allele origin: germline.

Revvity Omics, Revvity
Classification: Uncertain significance. Last evaluated: 2021-03-30. Review status: criteria provided, single submitter. Criteria: ACMG Guidelines, 2015. Collection method: clinical testing. Allele origin: germline.

NM_003737.4(DCHS1):c.1383C>A (p.His461Gln)

Gene: DCHS1 (dachsous cadherin-related 1; minus strand). Cytogenetic location: 11p15.4.
Variant type: single nucleotide variant.
Coding change: c.1383C>A on transcript NM_003737.4 (MANE Select); coding-DNA position 1383, C replaced by A.
Protein change: p.His461Gln; replaces histidine 461 with glutamine.
Molecular consequence: missense variant.
Genome position (GRCh38, 1-based): chr11:6,640,231, G>T on the plus strand (C>A on the coding strand, the complement: DCHS1 is on the minus strand). VCF-style: chr11-6640231-G-T. GRCh37 (hg19) VCF-style: chr11-6661462-G-T.
Other names: c.1383C>A (NM_003737.2); short protein forms H461Q.
Identifiers: ClinVar variation 2138091 (VCV002138091.8), dbSNP rs150938956, ClinGen allele CA5860981.
Genomic context (GRCh38, chr11:6,640,231, plus strand): 5'-GGGCTCAGGTCGGTAGAGCTGGCGGTCAAAGGCAGGTGCATTGTCGTTGACATCAGTGAC[G>T]TGCAGCACAAAGGCAGCCTCAGCCCGCAGTGGAGGTGAGCCTGAGTCTGTGGCTGTAACC-3'
Protein context (NP_003728.1, residues 451-471): PLRAEAAFVL[His461Gln]VTDVNDNAPA